The following is an entry in ClinVar:

ClinVar aggregate classification (germline): Uncertain significance (1 of 4 stars; one submission).

Submission:

GeneDx
Classification: Uncertain significance. Last evaluated: 2025-01-24. Review status: criteria provided, single submitter. Criteria: GeneDx Variant Classification Process June 2021. Collection method: clinical testing. Allele origin: germline. Affected: yes.
Comment: Not observed at significant frequency in large population cohorts (gnomAD); In silico analysis supports that this missense variant has a deleterious effect on protein structure/function; Has not been previously published as pathogenic or benign to our knowledge

NM_001256071.3(RNF213):c.4147G>C (p.Asp1383His)

Gene: RNF213 (ring finger protein 213; plus strand). Cytogenetic location: 17q25.3.
Variant type: single nucleotide variant.
Coding change: c.4147G>C on transcript NM_001256071.3 (MANE Select); coding-DNA position 4147, G replaced by C.
Protein change: p.Asp1383His; replaces aspartic acid 1383 with histidine.
Molecular consequence: missense variant.
Genome position (GRCh38, 1-based): chr17:80,334,108, G>C. VCF-style: chr17-80334108-G-C. GRCh37 (hg19) VCF-style: chr17-78307908-G-C.
Other names: c.4294G>C, p.Asp1432His (NM_001410195.1, NM_020914.5); short protein forms D1383H, D1432H.
Identifiers: ClinVar variation 4071735 (VCV004071735.1).